The following is an entry in ClinVar:

ClinVar aggregate classification (germline): Uncertain significance (1 of 4 stars; one submission).

Conditions:
Neurofibromatosis, type 1 (NF1). Also called: VON RECKLINGHAUSEN DISEASE; Neurofibromatosis, type I; Peripheral type neurofibromatosis; NEUROFIBROMATOSIS, TYPE I, SOMATIC. Identifiers: Orphanet 636, MedGen C0027831, MONDO:0018975, OMIM 162200. Disease mechanism: loss of function.

Submission:

Labcorp Genetics (formerly Invitae), Labcorp
Classification: Uncertain significance for Neurofibromatosis, type 1. Last evaluated: 2023-10-09. Review status: criteria provided, single submitter. Criteria: Invitae Variant Classification Sherloc (09022015). Collection method: clinical testing. Allele origin: unknown.
Comment: This variant results in a copy number gain of the genomic region encompassing exon(s) 1-4 of the NF1 gene. This region includes the initiator codon of the gene. This copy number gain extends beyond the assayed region for this gene and therefore may encompass additional genes. As the precise location of this event is unknown, it may be in tandem or it may be located elsewhere in the genome. This variant has not been reported in the literature in individuals affected with NF1-related conditions. In summary, the available evidence is currently insufficient to determine the role of this variant in disease. Therefore, it has been classified as a Variant of Uncertain Significance.

NC_000017.10:g.(?_29422048)_(29490404_?)dup

Gene: NF1 (neurofibromin 1; plus strand). Cytogenetic location: 17q11.2.
Variant type: Duplication.
Identifiers: ClinVar variation 3242892 (VCV003242892.1).